The following is an entry in ClinVar:

NM_000532.5(PCCB):c.1482C>G (p.Phe494Leu)

Gene: PCCB (propionyl-CoA carboxylase subunit beta; plus strand). Cytogenetic location: 3q22.3.
Variant type: single nucleotide variant.
Coding change: c.1482C>G on transcript NM_000532.5 (MANE Select); coding-DNA position 1482, C replaced by G.
Protein change: p.Phe494Leu; replaces phenylalanine 494 with leucine.
Molecular consequence: missense variant.
Genome position (GRCh38, 1-based): chr3:136,328,841, C>G. VCF-style: chr3-136328841-C-G. GRCh37 (hg19) VCF-style: chr3-136047683-C-G.
Other names: c.1542C>G, p.Phe514Leu (NM_001178014.2); short protein forms F494L, F514L.
Identifiers: ClinVar variation 1064377 (VCV001064377.9), dbSNP rs1179000221, ClinGen allele CA354649728.

ClinVar aggregate classification (germline): Uncertain significance (1 of 4 stars; one submission).

Conditions:
Propionic acidemia (PROP). Also called: GLYCINEMIA, KETOTIC; HYPERGLYCINEMIA WITH KETOACIDOSIS AND LEUKOPENIA; KETOTIC HYPERGLYCINEMIA. Identifiers: Orphanet 35, MedGen C0268579, MONDO:0011628, OMIM 606054, HP:0003571.

Submission:

Labcorp Genetics (formerly Invitae), Labcorp
Classification: Uncertain significance for Propionic acidemia. Last evaluated: 2020-06-16. Review status: criteria provided, single submitter. Criteria: Invitae Variant Classification Sherloc (09022015). Collection method: clinical testing. Allele origin: germline.
Comment: In summary, the available evidence is currently insufficient to determine the role of this variant in disease. Therefore, it has been classified as a Variant of Uncertain Significance. Algorithms developed to predict the effect of missense changes on protein structure and function are either unavailable or do not agree on the potential impact of this missense change (SIFT: "Deleterious"; PolyPhen-2: "Benign"; Align-GVGD: "Class C15"). This variant has not been reported in the literature in individuals with PCCB-related conditions. This variant is not present in population databases (ExAC no frequency). This sequence change replaces phenylalanine with leucine at codon 494 of the PCCB protein (p.Phe494Leu). The phenylalanine residue is highly conserved and there is a small physicochemical difference between phenylalanine and leucine.